The following is an entry in ClinVar:

NM_152564.5(VPS13B):c.5211G>A (p.Lys1737=)

Gene: VPS13B (vacuolar protein sorting 13 homolog B; plus strand). Cytogenetic location: 8q22.2.
Variant type: single nucleotide variant.
Coding change: c.5211G>A on transcript NM_152564.5 (MANE Select); coding-DNA position 5211, G replaced by A.
Protein change: p.Lys1737=; no amino-acid change (lysine 1737 retained).
Molecular consequence: synonymous variant.
Genome position (GRCh38, 1-based): chr8:99,577,624, G>A. VCF-style: chr8-99577624-G-A. GRCh37 (hg19) VCF-style: chr8-100589852-G-A.
Other names: c.5286G>A, p.Lys1762= (NM_017890.5).
Identifiers: ClinVar variation 3358291 (VCV003358291.1).
Genomic context (GRCh38, chr8:99,577,624, plus strand): 5'-AGTTCAACTCTTACATCAGTTAATAGTAGCAAATATGACTGGACTGGAACCATCAAACAA[G>A]GCTGCAGAGGTAACTGTTACCTGATTTTGATCAGGCTTACTGCATTTGTTCCAACTTTAC-3'
Protein context (NP_689777.3, residues 1727-1747): ANMTGLEPSN[Lys1737=]AAEISKQEQK

ClinVar aggregate classification (germline): Likely benign (0 of 4 stars; one submission).

Conditions:
VPS13B-related disorder. Also called: VPS13B-related condition.

gnomAD v4.1: 1 of 1,613,562 alleles (0.000062%); no homozygotes.

Submission:

PreventionGenetics, part of Exact Sciences
Classification: Likely benign for VPS13B-related condition. Last evaluated: 2022-07-29. Review status: no assertion criteria provided. Collection method: clinical testing. Allele origin: germline.
Comment: This variant is classified as likely benign based on ACMG/AMP sequence variant interpretation guidelines (Richards et al. 2015 PMID: 25741868, with internal and published modifications).